The following is an entry in ClinVar:

NM_002439.5(MSH3):c.559A>G (p.Lys187Glu)

Gene: MSH3 (mutS homolog 3; plus strand). Cytogenetic location: 5q14.1.
Variant type: single nucleotide variant.
Coding change: c.559A>G on transcript NM_002439.5 (MANE Select); coding-DNA position 559, A replaced by G.
Protein change: p.Lys187Glu; replaces lysine 187 with glutamic acid.
Molecular consequence: missense variant.
Genome position (GRCh38, 1-based): chr5:80,665,343, A>G. VCF-style: chr5-80665343-A-G. GRCh37 (hg19) VCF-style: chr5-79961162-A-G.
Other names: c.559A>G (NM_002439.3); short protein forms K187E.
Identifiers: ClinVar variation 2862271 (VCV002862271.4), dbSNP rs2546717576, ClinGen allele CA360264546.

ClinVar aggregate classification (germline): Uncertain significance. Review status: criteria provided, multiple submitters, no conflicts (2 of 4 stars). 2 submissions from 2 submitters: Uncertain significance (2). Last evaluated 2025-08-14.

Conditions:
Hereditary cancer-predisposing syndrome. Also called: Hereditary neoplastic syndrome; Tumor predisposition; Neoplastic Syndromes, Hereditary; Hereditary Cancer Syndrome. Identifiers: Orphanet 140162, MedGen C0027672, MeSH D009386, MONDO:0015356.

Submissions (2):

Ambry Genetics
Classification: Uncertain significance for Hereditary cancer-predisposing syndrome. Last evaluated: 2025-08-14. Review status: criteria provided, single submitter. Criteria: Ambry Variant Classification Scheme 2023. Collection method: clinical testing. Allele origin: germline.
Comment: The p.K187E variant (also known as c.559A>G), located in coding exon 3 of the MSH3 gene, results from an A to G substitution at nucleotide position 559. The lysine at codon 187 is replaced by glutamic acid, an amino acid with similar properties. This amino acid position is conserved. In addition, this alteration is predicted to be tolerated by in silico analysis. Based on the available evidence, the clinical significance of this variant remains unclear.

Labcorp Genetics (formerly Invitae), Labcorp
Classification: Uncertain significance. Last evaluated: 2023-08-30. Review status: criteria provided, single submitter. Criteria: Invitae Variant Classification Sherloc (09022015). Collection method: clinical testing. Allele origin: germline.
Comment: This variant is not present in population databases (gnomAD no frequency). This sequence change replaces lysine, which is basic and polar, with glutamic acid, which is acidic and polar, at codon 187 of the MSH3 protein (p.Lys187Glu). This variant has not been reported in the literature in individuals affected with MSH3-related conditions. An algorithm developed to predict the effect of missense changes on protein structure and function (PolyPhen-2) suggests that this variant is likely to be tolerated. In summary, the available evidence is currently insufficient to determine the role of this variant in disease. Therefore, it has been classified as a Variant of Uncertain Significance.